The following is an entry in ClinVar:

ClinVar aggregate classification (germline): Uncertain significance (1 of 4 stars; one submission).

Conditions:
Norman-Roberts syndrome (LIS2). Also called: Lissencephaly 2 (Norman-Roberts type). Identifiers: Orphanet 89844, MedGen C0796089, MONDO:0009760, OMIM 257320.
Familial temporal lobe epilepsy 7. Identifiers: Orphanet 101046, MedGen C4225327, MONDO:0014639, OMIM 616436.

Allele frequency attached by ClinVar (database versions not stated): gnomAD exomes 0.00001.
gnomAD v4.1: 10 of 1,614,168 alleles (0.00062%); highest among the groups gnomAD compares: Non-Finnish European, 0.00085%; no homozygotes.

Submission:

Labcorp Genetics (formerly Invitae), Labcorp
Classification: Uncertain significance for Familial temporal lobe epilepsy 7; Norman-Roberts syndrome. Last evaluated: 2023-10-03. Review status: criteria provided, single submitter. Criteria: Invitae Variant Classification Sherloc (09022015). Collection method: clinical testing. Allele origin: germline.
Comment: This sequence change replaces leucine, which is neutral and non-polar, with phenylalanine, which is neutral and non-polar, at codon 2184 of the RELN protein (p.Leu2184Phe). This variant is not present in population databases (gnomAD no frequency). This variant has not been reported in the literature in individuals affected with RELN-related conditions. ClinVar contains an entry for this variant (Variation ID: 2006093). Advanced modeling of protein sequence and biophysical properties (such as structural, functional, and spatial information, amino acid conservation, physicochemical variation, residue mobility, and thermodynamic stability) performed at Invitae indicates that this missense variant is not expected to disrupt RELN protein function. In summary, the available evidence is currently insufficient to determine the role of this variant in disease. Therefore, it has been classified as a Variant of Uncertain Significance.

NM_005045.4(RELN):c.6552A>C (p.Leu2184Phe)

Gene: RELN (reelin; minus strand). Cytogenetic location: 7q22.1.
Variant type: single nucleotide variant.
Coding change: c.6552A>C on transcript NM_005045.4 (MANE Select); coding-DNA position 6552, A replaced by C.
Protein change: p.Leu2184Phe; replaces leucine 2184 with phenylalanine.
Molecular consequence: missense variant.
Genome position (GRCh38, 1-based): chr7:103,542,850, T>G on the plus strand (A>C on the coding strand, the complement: RELN is on the minus strand). VCF-style: chr7-103542850-T-G. GRCh37 (hg19) VCF-style: chr7-103183297-T-G.
Other names: c.6552A>C (NM_005045.3); c.6552A>C, p.Leu2184Phe (NM_173054.3); short protein forms L2184F.
Identifiers: ClinVar variation 2006093 (VCV002006093.5), dbSNP rs751279005, ClinGen allele CA368770598.